The following is an entry in ClinVar:

ClinVar aggregate classification (germline): Uncertain significance (1 of 4 stars; one submission).

Conditions:
Familial sleep-related hypermotor epilepsy. Also called: Autosomal Dominant Sleep-Related Hypermotor (Hyperkinetic) Epilepsy. Identifiers: Orphanet 98784, MedGen C3696898, MONDO:0000030.

Allele frequency attached by ClinVar (database versions not stated): gnomAD exomes 0.00001; gnomAD 0.00001; TOPMed 0.00005.

Submission:

Labcorp Genetics (formerly Invitae), Labcorp
Classification: Uncertain significance. Last evaluated: 2022-08-20. Review status: criteria provided, single submitter. Criteria: Invitae Variant Classification Sherloc (09022015). Collection method: clinical testing. Allele origin: germline.
Comment: In summary, the available evidence is currently insufficient to determine the role of this variant in disease. Therefore, it has been classified as a Variant of Uncertain Significance. Algorithms developed to predict the effect of missense changes on protein structure and function are either unavailable or do not agree on the potential impact of this missense change (SIFT: "Deleterious"; PolyPhen-2: "Probably Damaging"; Align-GVGD: "Class C0"). ClinVar contains an entry for this variant (Variation ID: 1404974). This variant has not been reported in the literature in individuals affected with CHRNA4-related conditions. The frequency data for this variant in the population databases is considered unreliable, as metrics indicate poor data quality at this position in the gnomAD database. This sequence change replaces threonine, which is neutral and polar, with methionine, which is neutral and non-polar, at codon 276 of the CHRNA4 protein (p.Thr276Met).

NM_000744.7(CHRNA4):c.827C>T (p.Thr276Met)

Gene: CHRNA4 (cholinergic receptor nicotinic alpha 4 subunit; minus strand). Cytogenetic location: 20q13.33.
Variant type: single nucleotide variant.
Coding change: c.827C>T on transcript NM_000744.7 (MANE Select); coding-DNA position 827, C replaced by T.
Protein change: p.Thr276Met; replaces threonine 276 with methionine.
Molecular consequence: missense variant. On other transcripts: non-coding transcript variant (1).
Genome position (GRCh38, 1-based): chr20:63,350,584, G>A on the plus strand (C>T on the coding strand, the complement: CHRNA4 is on the minus strand). VCF-style: chr20-63350584-G-A. GRCh37 (hg19) VCF-style: chr20-61981936-G-A.
Other names: c.299C>T, p.Thr100Met (NM_001256573.2); short protein forms T276M, T100M.
Identifiers: ClinVar variation 1404974 (VCV001404974.7), dbSNP rs796052323, ClinGen allele CA313619.
Genomic context (GRCh38, chr20:63,350,584, plus strand): 5'-ATGATCTCGGTGATGAGCAGCAGGAAGACGGTGAGCGACAGCAGCACGGAGATGCACAGC[G>A]TGATCTTCTCGCCACACTCGGAGGGCAGGTAGAAGACCAGCACGGTGAGGCAGGAGATGA-3'
Protein context (NP_000735.1, residues 266-286): YLPSECGEKI[Thr276Met]LCISVLLSLT